The following is an entry in ClinVar:

NM_002691.4(POLD1):c.1530G>A (p.Val510=)

Gene: POLD1 (DNA polymerase delta 1, catalytic subunit; plus strand). Cytogenetic location: 19q13.33.
Variant type: single nucleotide variant.
Coding change: c.1530G>A on transcript NM_002691.4 (MANE Select); coding-DNA position 1530, G replaced by A.
Protein change: p.Val510=; no amino-acid change (valine 510 retained).
Molecular consequence: synonymous variant. On other transcripts: non-coding transcript variant (1).
Genome position (GRCh38, 1-based): chr19:50,407,018, G>A. VCF-style: chr19-50407018-G-A. GRCh37 (hg19) VCF-style: chr19-50910275-G-A.
Other names: c.1530G>A, p.Val510= (NM_001256849.1, NM_001308632.1).
Identifiers: ClinVar variation 1997870 (VCV001997870.7), dbSNP rs2038914261, ClinGen allele CA508183971.

ClinVar aggregate classification (germline): Benign/Likely benign. Review status: criteria provided, multiple submitters, no conflicts (2 of 4 stars). 3 submissions from 3 submitters: Benign (1); Likely benign (2). Last evaluated 2025-02-06.

Conditions:
POLD1-related polyposis and colorectal cancer syndrome (CRCS10). Also called: Colorectal cancer 10; COLORECTAL CANCER, SUSCEPTIBILITY TO, ON CHROMOSOME 19q; Colorectal cancer, susceptibility to, 10. Identifiers: Orphanet 220460, MedGen C2675481, MONDO:0012953, OMIM 612591.
Hereditary cancer-predisposing syndrome. Also called: Tumor predisposition; Hereditary Cancer Syndrome; Hereditary neoplastic syndrome; Neoplastic Syndromes, Hereditary. Identifiers: Orphanet 140162, MedGen C0027672, MeSH D009386, MONDO:0015356.

Allele frequency attached by ClinVar (database versions not stated): gnomAD exomes below 0.00001.
gnomAD v4.1: 6 of 1,613,104 alleles (0.00037%); highest among the groups gnomAD compares: Non-Finnish European, 0.00051%; no homozygotes.

Submissions (3):

Myriad Genetics, Inc.
Classification: Benign for POLD1-related polyposis and colorectal cancer syndrome. Last evaluated: 2025-02-06. Review status: criteria provided, single submitter. Criteria: Myriad Autosomal Dominant, Autosomal Recessive and X-Linked Classification Criteria (2023). Collection method: clinical testing. Allele origin: unknown.
Comment: This variant is considered benign. This variant is a silent/synonymous amino acid change and it is not expected to impact splicing.

Ambry Genetics
Classification: Likely benign for Hereditary cancer-predisposing syndrome. Last evaluated: 2023-01-27. Review status: criteria provided, single submitter. Criteria: Ambry Variant Classification Scheme 2023. Collection method: clinical testing. Allele origin: germline.

Labcorp Genetics (formerly Invitae), Labcorp
Classification: Likely benign for POLD1-related polyposis and colorectal cancer syndrome. Last evaluated: 2022-10-01. Review status: criteria provided, single submitter. Criteria: Invitae Variant Classification Sherloc (09022015). Collection method: clinical testing. Allele origin: germline.